The following is an entry in ClinVar:

NM_005546.4(ITK):c.1709A>G (p.Asp570Gly)

Gene: ITK (IL2 inducible T cell kinase; plus strand). Cytogenetic location: 5q33.3.
Variant type: single nucleotide variant.
Coding change: c.1709A>G on transcript NM_005546.4 (MANE Select); coding-DNA position 1709, A replaced by G.
Protein change: p.Asp570Gly; replaces aspartic acid 570 with glycine.
Molecular consequence: missense variant.
Genome position (GRCh38, 1-based): chr5:157,248,925, A>G. VCF-style: chr5-157248925-A-G. GRCh37 (hg19) VCF-style: chr5-156675935-A-G.
Other names: short protein forms D570G.
Identifiers: ClinVar variation 1044993 (VCV001044993.8), dbSNP rs962121468, ClinGen allele CA130162580.

ClinVar aggregate classification (germline): Uncertain significance (1 of 4 stars; one submission).

Conditions:
Lymphoproliferative syndrome 1 (LPFS1). Identifiers: Orphanet 238505, Orphanet 538963, MedGen C3552634, MONDO:0013081, OMIM 613011.

Submission:

Labcorp Genetics (formerly Invitae), Labcorp
Classification: Uncertain significance for Lymphoproliferative syndrome 1. Last evaluated: 2021-01-15. Review status: criteria provided, single submitter. Criteria: Invitae Variant Classification Sherloc (09022015). Collection method: clinical testing. Allele origin: germline.
Comment: In summary, the available evidence is currently insufficient to determine the role of this variant in disease. Therefore, it has been classified as a Variant of Uncertain Significance. Advanced modeling of protein sequence and biophysical properties (such as structural, functional, and spatial information, amino acid conservation, physicochemical variation, residue mobility, and thermodynamic stability) performed at Invitae indicates that this missense variant is not expected to disrupt ITK protein function. This variant has not been reported in the literature in individuals with ITK-related conditions. This variant is not present in population databases (ExAC no frequency). This sequence change replaces aspartic acid with glycine at codon 570 of the ITK protein (p.Asp570Gly). The aspartic acid residue is moderately conserved and there is a moderate physicochemical difference between aspartic acid and glycine.